The following is an entry in ClinVar:

ClinVar aggregate classification (germline): Conflicting classifications of pathogenicity. Review status: criteria provided, conflicting classifications (1 of 4 stars). 3 submissions from 3 submitters: Uncertain significance (2); Likely benign (1). Last evaluated 2023-08-07.

Conditions:
Breast-ovarian cancer, familial, susceptibility to, 1 (BROVCA1). Also called: OVARIAN CANCER, SUSCEPTIBILITY TO; BRCA1 Hereditary Breast and Ovarian Cancer. Identifiers: Orphanet 145, MedGen C2676676, MONDO:0011450, OMIM 604370. Disease mechanism: loss of function.
Hereditary cancer-predisposing syndrome. Also called: Hereditary neoplastic syndrome; Tumor predisposition; Hereditary Cancer Syndrome; Neoplastic Syndromes, Hereditary. Identifiers: Orphanet 140162, MedGen C0027672, MeSH D009386, MONDO:0015356.

Submissions (3):

KCCC/NGS Laboratory, Kuwait Cancer Control Center
Classification: Uncertain significance for Breast-ovarian cancer, familial, susceptibility to, 1. Last evaluated: 2023-08-07. Review status: criteria provided, single submitter. Criteria: ACMG Guidelines, 2015. Collection method: clinical testing. Allele origin: germline. Inheritance: Autosomal dominant inheritance. Affected: yes. Observed: 1 heterozygote.
Comment: This sequence change replaces glutamic acid with glutamine at codon 781 of the BRCA1 protein (p.Glu781Gln). This variant is not present in population databases (gnomAD) nor in our local database . This variant has not been reported in the literature in individuals with BRCA1-related conditions.This variant reported in clinvar database (ID:628750) . In-silico predictions show benign computational verdict based on 12 benign predictions from FATHMM-XF_addAF, EIGEN,LRT, DEOGEN2,BLOSUM, PROVEAN, PrimateAI,EIGEN, FATHMM-MKL, LIST-S2, MVP, MutationAssessor and PolyPhen . This position is not well conserved (PhyloP=1.28) . Therefore, it has been classified as a Variant of Uncertain Significance.

University of Washington Department of Laboratory Medicine, University of Washington
Classification: Likely benign for Hereditary cancer-predisposing syndrome. Last evaluated: 2023-03-23. Review status: criteria provided, single submitter. Criteria: Dines et al. (Genet Med. 2020). Collection method: curation. Allele origin: germline.
Comment: Missense variant in a coldspot region where missense variants are very unlikely to be pathogenic (PMID:31911673).

BRCA1 coldspot (exon 11 using historical exon numbering). Reclassification based on statistical prior probability

Color Diagnostics, LLC DBA Color Health
Classification: Uncertain significance for Hereditary cancer-predisposing syndrome. Last evaluated: 2019-01-04. Review status: criteria provided, single submitter. Criteria: ACMG Guidelines, 2015. Collection method: clinical testing. Allele origin: germline.

NM_007294.4(BRCA1):c.2341G>C (p.Glu781Gln)

Gene: BRCA1 (BRCA1 DNA repair associated; minus strand). Cytogenetic location: 17q21.31.
Variant type: single nucleotide variant.
Coding change: c.2341G>C on transcript NM_007294.4 (MANE Select); coding-DNA position 2341, G replaced by C.
Protein change: p.Glu781Gln; replaces glutamic acid 781 with glutamine.
Molecular consequence: missense variant. On other transcripts: intron variant (137).
Genome position (GRCh38, 1-based): chr17:43,093,190, C>G on the plus strand (G>C on the coding strand, the complement: BRCA1 is on the minus strand). VCF-style: chr17-43093190-C-G. GRCh37 (hg19) VCF-style: chr17-41245207-C-G.
Other names: c.2341G>C (NM_007300.3); c.2128G>C, p.Glu710Gln (NM_001407571.1, NM_001407896.1, NM_001407897.1 and 9 more transcripts); c.2341G>C, p.Glu781Gln (NM_001407581.1, NM_001407582.1, NM_001407583.1 and 30 more transcripts); c.2338G>C, p.Glu780Gln (NM_001407587.1, NM_001407590.1, NM_001407591.1 and 22 more transcripts); c.2332G>C, p.Glu778Gln (NM_001407646.1, NM_001407647.1); c.2218G>C, p.Glu740Gln (NM_001407648.1, NM_001407666.1, NM_001407667.1 and 19 more transcripts); c.2215G>C, p.Glu739Gln (NM_001407649.1, NM_001407670.1, NM_001407671.1 and 11 more transcripts); c.2263G>C, p.Glu755Gln (NM_001407653.1, NM_001407654.1, NM_001407655.1 and 4 more transcripts); and 42 more; short protein forms E781Q, E734Q, E485Q, E714Q, E733Q, E739Q, E780Q, E613Q.
Identifiers: ClinVar variation 628750 (VCV000628750.8), dbSNP rs757933953, ClinGen allele CA10597325.